The following is an entry in ClinVar:

ClinVar aggregate classification (germline): Uncertain significance. Review status: criteria provided, multiple submitters, no conflicts (2 of 4 stars). 2 submissions from 2 submitters: Uncertain significance (2). Last evaluated 2025-08-24.

Conditions:
Inborn genetic diseases. Identifiers: MedGen C0950123, MeSH D030342.
PKHD1-related disorder. Also called: PKHD1-related condition.

Allele frequency attached by ClinVar (database versions not stated): TOPMed 0.00004; gnomAD 0.00005.
gnomAD v4.1: 21 of 1,592,360 alleles (0.0013%); highest among the groups gnomAD compares: African/African-American, 0.027%; no homozygotes.

Submissions (2):

Ambry Genetics
Classification: Uncertain significance for Inborn genetic diseases. Last evaluated: 2025-08-24. Review status: criteria provided, single submitter. Criteria: Ambry Variant Classification Scheme 2023. Collection method: clinical testing. Allele origin: germline.

PreventionGenetics, part of Exact Sciences
Classification: Uncertain significance for PKHD1-related condition. Last evaluated: 2025-04-22. Review status: criteria provided, single submitter. Criteria: ACMG Guidelines, 2015. Collection method: clinical testing. Allele origin: germline.
Comment: The PKHD1 c.6814T>C variant is predicted to result in the amino acid substitution p.Cys2272Arg. To our knowledge, this variant has not been reported in the literature. This variant is reported in 0.012% of alleles in individuals of African descent in gnomAD. At this time, the clinical significance of this variant is uncertain due to the absence of conclusive functional and genetic evidence.

NM_138694.4(PKHD1):c.6814T>C (p.Cys2272Arg)

Gene: PKHD1 (PKHD1 ciliary IPT domain containing fibrocystin/polyductin; minus strand). Cytogenetic location: 6p12.2.
Variant type: single nucleotide variant.
Coding change: c.6814T>C on transcript NM_138694.4 (MANE Select); coding-DNA position 6814, T replaced by C.
Protein change: p.Cys2272Arg; replaces cysteine 2272 with arginine.
Molecular consequence: missense variant.
Genome position (GRCh38, 1-based): chr6:51,904,037, A>G on the plus strand (T>C on the coding strand, the complement: PKHD1 is on the minus strand). VCF-style: chr6-51904037-A-G. GRCh37 (hg19) VCF-style: chr6-51768835-A-G.
Other names: c.6814T>C, p.Cys2272Arg (NM_170724.3); short protein forms C2272R.
Identifiers: ClinVar variation 2288644 (VCV002288644.5), dbSNP rs1310620796, ClinGen allele CA364430800.